The following is an entry in ClinVar:

NM_000388.4(CASR):c.91dup (p.Asp31fs)

Gene: CASR (calcium sensing receptor; plus strand). Cytogenetic location: 3q21.1.
Variant type: Duplication.
Coding change: c.91dup on transcript NM_000388.4 (MANE Select); coding-DNA position 91, one base duplicated (G; older notation c.91dupG).
Protein change: p.Asp31fs; shifts the reading frame from aspartic acid 31.
Molecular consequence: frameshift variant.
Genome position (GRCh38, 1-based): chr3:122,254,280, G duplicated; the last of 5 consecutive G bases (chr3:122,254,276-122,254,280); duplicating any one gives the same sequence. VCF-style (leftmost placement, unchanged base first): chr3-122254275-A-AG. GRCh37 (hg19) VCF-style: chr3-121973122-A-AG.
Other names: c.91dup, p.Asp31fs (NM_001178065.2); short protein forms D31fs.
Identifiers: ClinVar variation 1217243 (VCV001217243.1), dbSNP rs2107624870, ClinGen allele CA2499216404.

ClinVar aggregate classification (germline): Likely pathogenic (1 of 4 stars; one submission).

Conditions:
Familial hypocalciuric hypercalcemia (FHH). Also called: Familial benign hypercalcemia. Identifiers: Orphanet 405, MedGen C1809471, MONDO:0018458.

Submission:

Women's Health and Genetics/Laboratory Corporation of America, LabCorp
Classification: Likely pathogenic for Familial hypocalciuric hypercalcemia. Last evaluated: 2021-08-13. Review status: criteria provided, single submitter. Criteria: LabCorp Variant Classification Summary - May 2015. Collection method: clinical testing. Allele origin: germline.
Comment: Variant summary: CASR c.91dupG (p.Asp31GlyfsX17) results in a premature termination codon, predicted to cause a truncation of the encoded protein or absence of the protein due to nonsense mediated decay, which are commonly known mechanisms for disease. Truncations upstream and downstream of this position have been reported in affected individuals in HGMD, and been classified as pathogenic by multiple laboratories in ClinVar. The variant was absent in 251336 control chromosomes (gnomAD). To our knowledge, no occurrence of c.91dupG in individuals affected with Familial Hypocalciuric Hypercalcemia and no experimental evidence demonstrating its impact on protein function have been reported. No clinical diagnostic laboratories have submitted clinical-significance assessments for this variant to ClinVar after 2014. Based on the evidence outlined above, the variant was classified as likely pathogenic.